The following is an entry in ClinVar:

NM_015909.4(NBAS):c.7013G>A (p.Gly2338Asp)

Gene: NBAS (NBAS subunit of NRZ tethering complex; minus strand). Cytogenetic location: 2p24.3.
Variant type: single nucleotide variant.
Coding change: c.7013G>A on transcript NM_015909.4 (MANE Select); coding-DNA position 7013, G replaced by A.
Protein change: p.Gly2338Asp; replaces glycine 2338 with aspartic acid.
Molecular consequence: missense variant. On other transcripts: non-coding transcript variant (1).
Genome position (GRCh38, 1-based): chr2:15,167,151, C>T on the plus strand (G>A on the coding strand, the complement: NBAS is on the minus strand). VCF-style: chr2-15167151-C-T. GRCh37 (hg19) VCF-style: chr2-15307275-C-T.
Other names: short protein forms G2338D.
Identifiers: ClinVar variation 1928309 (VCV001928309.2), dbSNP rs200561560, ClinGen allele CA1534792.

ClinVar aggregate classification (germline): Uncertain significance (1 of 4 stars; one submission).

Allele frequency attached by ClinVar (database versions not stated): TOPMed below 0.00001; gnomAD 0.00002; gnomAD exomes 0.00002; ExAC 0.00004; 1000 Genomes Project 30x 0.00047; 1000 Genomes Project 0.00060.
gnomAD v4.1: 17 of 1,614,250 alleles (0.0011%); highest among the groups gnomAD compares: East Asian, 0.031%; no homozygotes.

Submission:

Labcorp Genetics (formerly Invitae), Labcorp
Classification: Uncertain significance. Last evaluated: 2022-02-20. Review status: criteria provided, single submitter. Criteria: Invitae Variant Classification Sherloc (09022015). Collection method: clinical testing. Allele origin: germline.
Comment: This sequence change replaces glycine, which is neutral and non-polar, with aspartic acid, which is acidic and polar, at codon 2338 of the NBAS protein (p.Gly2338Asp). This variant is present in population databases (rs200561560, gnomAD 0.05%). This variant has not been reported in the literature in individuals affected with NBAS-related conditions. Algorithms developed to predict the effect of missense changes on protein structure and function (SIFT, PolyPhen-2, Align-GVGD) all suggest that this variant is likely to be disruptive. In summary, the available evidence is currently insufficient to determine the role of this variant in disease. Therefore, it has been classified as a Variant of Uncertain Significance.